The following is an entry in ClinVar:

NM_000038.6(APC):c.3711G>C (p.Gln1237His)

Gene: APC (APC regulator of Wnt signaling pathway; plus strand). Cytogenetic location: 5q22.2.
Variant type: single nucleotide variant.
Coding change: c.3711G>C on transcript NM_000038.6 (MANE Select); coding-DNA position 3711, G replaced by C.
Protein change: p.Gln1237His; replaces glutamine 1237 with histidine.
Molecular consequence: missense variant. On other transcripts: non-coding transcript variant (2).
Genome position (GRCh38, 1-based): chr5:112,839,305, G>C. VCF-style: chr5-112839305-G-C. GRCh37 (hg19) VCF-style: chr5-112175002-G-C.
Other names: c.3711G>C, p.Gln1237His (NM_001127510.3, NM_001354895.2, NM_001407450.1); c.3657G>C, p.Gln1219His (NM_001127511.3); c.3765G>C, p.Gln1255His (NM_001354896.2, NM_001407447.1, NM_001407448.1 and 1 more transcripts); c.3741G>C, p.Gln1247His (NM_001354897.2); c.3636G>C, p.Gln1212His (NM_001354898.2); c.3627G>C, p.Gln1209His (NM_001354899.2); c.3588G>C, p.Gln1196His (NM_001354900.2); c.3534G>C, p.Gln1178His (NM_001354901.2, NM_001407453.1); and 12 more; short protein forms Q1077H, Q1108H, Q1111H, Q1136H, Q1146H, Q1154H, Q1178H, Q1196H.
Identifiers: ClinVar variation 3071955 (VCV003071955.2), dbSNP rs756939805, ClinGen allele CA16029475.

ClinVar aggregate classification (germline): Uncertain significance. Review status: criteria provided, multiple submitters, no conflicts (2 of 4 stars). 2 submissions from 2 submitters: Uncertain significance (2). Last evaluated 2026-05-27.

Conditions:
Classic or attenuated familial adenomatous polyposis. Identifiers: MedGen CN372698, MONDO:0021057.
Hereditary cancer-predisposing syndrome. Also called: Tumor predisposition; Hereditary neoplastic syndrome; Neoplastic Syndromes, Hereditary; Hereditary Cancer Syndrome. Identifiers: Orphanet 140162, MedGen C0027672, MeSH D009386, MONDO:0015356.

gnomAD v4.1: 1 of 1,614,044 alleles (0.000062%); highest among the groups gnomAD compares: Non-Finnish European, 0.000085%; no homozygotes.

Submissions (2):

Ambry Genetics
Classification: Uncertain significance for Hereditary cancer-predisposing syndrome. Last evaluated: 2026-05-27. Review status: criteria provided, single submitter. Criteria: Ambry Variant Classification Scheme 2023. Collection method: clinical testing. Allele origin: germline.
Comment: The p.Q1237H variant (also known as c.3711G>C), located in coding exon 15 of the APC gene, results from a G to C substitution at nucleotide position 3711. The glutamine at codon 1237 is replaced by histidine, an amino acid with highly similar properties. This amino acid position is conserved. In addition, in silico predictors for this gene do not accurately predict pathogenicity. Based on the available evidence, the clinical significance of this variant remains unclear.

All of Us Research Program, National Institutes of Health
Classification: Uncertain significance for Classic or attenuated familial adenomatous polyposis. Last evaluated: 2023-06-26. Review status: criteria provided, single submitter. Criteria: ACMG Guidelines, 2015. Collection method: clinical testing. Allele origin: germline. Inheritance: Autosomal dominant inheritance. Observed: 1 variant allele, 1 heterozygote.
Comment: This missense variant replaces glutamine with histidine at codon 1237 of the APC protein. Computational prediction suggests that this variant may not impact protein structure and function (internally defined REVEL score threshold <= 0.5, PMID: 27666373). To our knowledge, functional studies have not been reported for this variant. This variant has not been reported in individuals affected with APC-related disorders in the literature. This variant has not been identified in the general population by the Genome Aggregation Database (gnomAD). The available evidence is insufficient to determine the role of this variant in disease conclusively. Therefore, this variant is classified as a Variant of Uncertain Significance.

This study involves interpretation of variants in research participants for the purpose of population health screening. Participant phenotype was not available at the time of variant classification. Additional details can be found in publication PMID: 35346344, PMCID: PMC8962531